The following is an entry in ClinVar:

NM_004974.4(KCNA2):c.539T>G (p.Phe180Cys)

Gene: KCNA2 (potassium voltage-gated channel subfamily A member 2; minus strand). Cytogenetic location: 1p13.3.
Variant type: single nucleotide variant.
Coding change: c.539T>G on transcript NM_004974.4 (MANE Select); coding-DNA position 539, T replaced by G.
Protein change: p.Phe180Cys; replaces phenylalanine 180 with cysteine.
Molecular consequence: missense variant.
Genome position (GRCh38, 1-based): chr1:110,604,244, A>C on the plus strand (T>G on the coding strand, the complement: KCNA2 is on the minus strand). VCF-style: chr1-110604244-A-C. GRCh37 (hg19) VCF-style: chr1-111146866-A-C.
Other names: c.539T>G, p.Phe180Cys (NM_001204269.2); short protein forms F180C.
Identifiers: ClinVar variation 1747285 (VCV001747285.2), dbSNP rs2524620795, ClinGen allele CA341603774.

ClinVar aggregate classification (germline): Likely pathogenic (1 of 4 stars; one submission).

Conditions:
Inborn genetic diseases. Identifiers: MedGen C0950123, MeSH D030342.

Submission:

Ambry Genetics
Classification: Likely pathogenic for Inborn genetic diseases. Last evaluated: 2018-08-29. Review status: criteria provided, single submitter. Criteria: Ambry Variant Classification Scheme 2023. Collection method: clinical testing. Allele origin: germline.
Comment: The p.F180C variant (also known as c.539T>G), located in coding exon 1 of the KCNA2 gene, results from a T to G substitution at nucleotide position 539. The phenylalanine at codon 180 is replaced by cysteine, an amino acid with highly dissimilar properties. In addition, this variant is anticipated to result in a significant decrease in structural stability (Ambry Internal Analysis). This amino acid position is highly conserved in available vertebrate species. In addition, this alteration is predicted to be deleterious by in silico analysis. Based on the majority of available evidence to date, this variant is likely to be pathogenic.